The following is an entry in ClinVar:

ClinVar aggregate classification (germline): Uncertain significance (1 of 4 stars; one submission).

Submission:

GeneDx
Classification: Uncertain significance. Last evaluated: 2019-04-11. Review status: criteria provided, single submitter. Criteria: GeneDx Variant Classification Process June 2021. Collection method: clinical testing. Allele origin: germline. Affected: yes.
Comment: Has not been previously published as pathogenic or benign to our knowledge; Not observed in large population cohorts (Lek et al., 2016); In silico analysis, which includes protein predictors and evolutionary conservation, supports a deleterious effect

NM_000141.5(FGFR2):c.1718G>A (p.Arg573Gln)

Gene: FGFR2 (fibroblast growth factor receptor 2; minus strand). Cytogenetic location: 10q26.13.
Variant type: single nucleotide variant.
Coding change: c.1718G>A on transcript NM_000141.5 (MANE Select); coding-DNA position 1718, G replaced by A.
Protein change: p.Arg573Gln; replaces arginine 573 with glutamine.
Molecular consequence: missense variant. On other transcripts: non-coding transcript variant (1).
Genome position (GRCh38, 1-based): chr10:121,496,677, C>T on the plus strand (G>A on the coding strand, the complement: FGFR2 is on the minus strand). VCF-style: chr10-121496677-C-T. GRCh37 (hg19) VCF-style: chr10-123256191-C-T.
Other names: c.1721G>A, p.Arg574Gln (NM_001144913.1, NM_022970.4); c.1382G>A, p.Arg461Gln (NM_001144914.1); c.1451G>A, p.Arg484Gln (NM_001144915.2, NM_023029.3); c.1373G>A, p.Arg458Gln (NM_001144916.2); c.1370G>A, p.Arg457Gln (NM_001144917.2); c.1367G>A, p.Arg456Gln (NM_001144918.2); c.1454G>A, p.Arg485Gln (NM_001144919.2); c.1034G>A, p.Arg345Gln (NM_001320654.2); and 1 more; short protein forms R345Q, R456Q, R457Q, R458Q, R461Q, R484Q, R485Q, R571Q.
Identifiers: ClinVar variation 1319052 (VCV001319052.2), dbSNP rs2133942636, ClinGen allele CA378320510.